The following is an entry in ClinVar:

NM_005861.4(STUB1):c.367C>G (p.Leu123Val)

Gene: STUB1 (STIP1 homology and U-box containing protein 1; plus strand). Cytogenetic location: 16p13.3.
Variant type: single nucleotide variant.
Coding change: c.367C>G on transcript NM_005861.4 (MANE Select); coding-DNA position 367, C replaced by G.
Protein change: p.Leu123Val; replaces leucine 123 with valine.
Molecular consequence: missense variant.
Genome position (GRCh38, 1-based): chr16:681,446, C>G. VCF-style: chr16-681446-C-G. GRCh37 (hg19) VCF-style: chr16-731446-C-G.
Other names: c.151C>G, p.Leu51Val (NM_001293197.2); short protein forms L123V, L51V.
Identifiers: ClinVar variation 127147 (VCV000127147.2), dbSNP rs587777344, ClinGen allele CA151393.

ClinVar aggregate classification (germline): Pathogenic/Likely pathogenic. Review status: no assertion criteria provided (0 of 4 stars). 2 submissions from 2 submitters: Pathogenic (1); Likely pathogenic (1). Last evaluated 2022-06-01.

Conditions:
Autosomal recessive spinocerebellar ataxia 16. Identifiers: Orphanet 412057, MedGen C5190574, MONDO:0014339, OMIM 615768.

Submissions (2):

Solve-RD Consortium
Classification: Likely pathogenic for Autosomal recessive spinocerebellar ataxia 16. Last evaluated: 2022-06-01. Review status: no assertion criteria provided. Collection method: provider interpretation. Allele origin: inherited. Affected: yes.
Comment: Variant confirmed as disease-causing by referring clinical team

Variant identified during reanalysis of unsolved cases by the Solve-RD project. The Solve-RD project has received funding from the European Union’s Horizon 2020 research and innovation programme under grant agreement No 779257.

OMIM
Classification: Pathogenic for SPINOCEREBELLAR ATAXIA, AUTOSOMAL RECESSIVE 16. Last evaluated: 2014-04-17. Review status: no assertion criteria provided. Collection method: literature only. Allele origin: germline.

Literature cited by the submitters: PubMed 39825153 (cited by Solve-RD Consortium); PubMed 24742043 (cited by OMIM).